The following is an entry in ClinVar:

ClinVar aggregate classification (germline): Conflicting classifications of pathogenicity. Review status: criteria provided, conflicting classifications (1 of 4 stars). 3 submissions from 3 submitters: Uncertain significance (1); Benign (1). 1 of the submissions does not count toward it. Last evaluated 2026-01-28.

Conditions:
NEB-related disorder. Also called: NEB-related condition; NEB-Related Disorders.
Nemaline myopathy 2 (NEM2). Also called: Nemaline myopathy 2, autosomal recessive. Identifiers: MedGen C1850569, MONDO:0009725, OMIM 256030.

Submissions (3):

Labcorp Genetics (formerly Invitae), Labcorp
Classification: Benign for Nemaline myopathy 2. Last evaluated: 2026-01-28. Review status: criteria provided, single submitter. Criteria: Invitae Variant Classification Sherloc (09022015). Collection method: clinical testing. Allele origin: germline.

Genetic Services Laboratory, University of Chicago
Classification: Uncertain significance. Last evaluated: 2014-06-25. Review status: criteria provided, single submitter. Criteria: ACMG Guidelines, 2015. Collection method: clinical testing. Allele origin: germline.

PreventionGenetics, part of Exact Sciences
Classification: Likely benign for NEB-related condition. Last evaluated: 2020-10-13. Review status: no assertion criteria provided. Collection method: clinical testing. Allele origin: germline. Not counted in ClinVar's aggregate classification.
Comment: This variant is classified as likely benign based on ACMG/AMP sequence variant interpretation guidelines (Richards et al. 2015 PMID: 25741868, with internal and published modifications).

NM_001164508.2(NEB):c.23649+10_23649+11del

Genes: RIF1 (replication timing regulatory factor 1; plus strand), NEB (nebulin; minus strand). Cytogenetic location: 2q23.3.
Variant type: Microsatellite.
Coding change: c.23649+10_23649+11del on transcript NM_001164508.2 (MANE Select); bases 10 to 11 of the intron after coding-DNA position 23649, 2 bases deleted (CA; older notation c.23649+10_23649+11delCA).
Molecular consequence: intron variant.
Genome position (GRCh38, 1-based): chr2:151,506,155-151,506,156, TG deleted on the plus strand (CA on the coding strand, the reverse complement: NEB is on the minus strand); deleting any 2 consecutive bases within chr2:151,506,155-151,506,159 gives the same sequence; the c. name uses the placement nearest the transcript's 3' end. VCF-style (leftmost placement, unchanged base first): chr2-151506154-CTG-C. GRCh37 (hg19) VCF-style: chr2-152362668-CTG-C.
Other names: c.23754+10_23754+11delCA (NM_001271208.1); c.18546+10_18546+11del (NM_004543.5); c.23649+10_23649+11del (NM_001164507.2); c.23754+10_23754+11del (NM_001271208.2).
Identifiers: ClinVar variation 211585 (VCV000211585.18), dbSNP rs772001300, ClinGen allele CA208435.